The following is an entry in ClinVar:

ClinVar aggregate classification (germline): Uncertain significance (1 of 4 stars; one submission).

gnomAD v4.1: 5 of 1,613,606 alleles (0.00031%); highest among the groups gnomAD compares: Non-Finnish European, 0.00042%; no homozygotes.

Submission:

Ambry Genetics
Classification: Uncertain significance. Last evaluated: 2025-03-01. Review status: criteria provided, single submitter. Criteria: Ambry Variant Classification Scheme 2023. Collection method: clinical testing. Allele origin: germline.
Comment: The p.S1386A variant (also known as c.4156T>G), located in coding exon 14 of the CDK12 gene, results from a T to G substitution at nucleotide position 4156. The serine at codon 1386 is replaced by alanine, an amino acid with similar properties. This amino acid position is conserved. In addition, this alteration is predicted to be tolerated by in silico analysis. Based on the available evidence, the clinical significance of this variant remains unclear.

NM_016507.4(CDK12):c.4156T>G (p.Ser1386Ala)

Gene: CDK12 (cyclin dependent kinase 12; plus strand). Cytogenetic location: 17q12.
Variant type: single nucleotide variant.
Coding change: c.4156T>G on transcript NM_016507.4 (MANE Select); coding-DNA position 4156, T replaced by G.
Protein change: p.Ser1386Ala; replaces serine 1386 with alanine.
Molecular consequence: missense variant.
Genome position (GRCh38, 1-based): chr17:39,530,999, T>G. VCF-style: chr17-39530999-T-G. GRCh37 (hg19) VCF-style: chr17-37687252-T-G.
Other names: c.4129T>G, p.Ser1377Ala (NM_015083.4); short protein forms S1377A, S1386A.
Identifiers: ClinVar variation 3830729 (VCV003830729.1).
Genomic context (GRCh38, chr17:39,530,999, plus strand): 5'-TTGGTCCAGACCCTGGTGAAGAACAGGACCTTCTCAGGCTCTCTGAGCCACCTTGGGGAG[T>G]CCAGCAGTTACCAGGGCACAGGGTCAGTGCAGTTTCCAGGGGACCAGGACCTCCGTTTTG-3'
Protein context (NP_057591.2, residues 1376-1396): FSGSLSHLGE[Ser1386Ala]SSYQGTGSVQ